The following is an entry in ClinVar:

ClinVar aggregate classification (germline): Uncertain significance (1 of 4 stars; one submission).

Allele frequency attached by ClinVar (database versions not stated): ExAC 0.00001.
gnomAD v4.1: 7 of 1,613,842 alleles (0.00043%); highest among the groups gnomAD compares: Admixed American, 0.0067%; no homozygotes.

Submission:

Labcorp Genetics (formerly Invitae), Labcorp
Classification: Uncertain significance. Last evaluated: 2025-03-31. Review status: criteria provided, single submitter. Criteria: Invitae Variant Classification Sherloc (09022015). Collection method: clinical testing. Allele origin: germline.
Comment: This sequence change replaces glycine, which is neutral and non-polar, with alanine, which is neutral and non-polar, at codon 64 of the KIAA1161 protein (p.Gly64Ala). This variant is present in population databases (rs756514041, gnomAD 0.01%). This variant has not been reported in the literature in individuals affected with KIAA1161-related conditions. ClinVar contains an entry for this variant (Variation ID: 2067488). An algorithm developed to predict the effect of missense changes on protein structure and function outputs the following: PolyPhen-2: "Not Available". The alanine amino acid residue is found in multiple mammalian species, which suggests that this missense change does not adversely affect protein function. In summary, the available evidence is currently insufficient to determine the role of this variant in disease. Therefore, it has been classified as a Variant of Uncertain Significance.

NM_020702.5(MYORG):c.191G>C (p.Gly64Ala)

Gene: MYORG (myogenesis regulating glycosidase; minus strand). Cytogenetic location: 9p13.3.
Variant type: single nucleotide variant.
Coding change: c.191G>C on transcript NM_020702.5 (MANE Select); coding-DNA position 191, G replaced by C.
Protein change: p.Gly64Ala; replaces glycine 64 with alanine.
Molecular consequence: missense variant.
Genome position (GRCh38, 1-based): chr9:34,372,753, C>G on the plus strand (G>C on the coding strand, the complement: MYORG is on the minus strand). VCF-style: chr9-34372753-C-G. GRCh37 (hg19) VCF-style: chr9-34372751-C-G.
Other names: short protein forms G64A.
Identifiers: ClinVar variation 2067488 (VCV002067488.4), dbSNP rs756514041, ClinGen allele CA5033220.